The following is an entry in ClinVar:

NM_182914.3(SYNE2):c.1094A>T (p.Gln365Leu)

Gene: SYNE2 (spectrin repeat containing nuclear envelope protein 2; plus strand). Cytogenetic location: 14q23.2.
Variant type: single nucleotide variant.
Coding change: c.1094A>T on transcript NM_182914.3 (MANE Select); coding-DNA position 1094, A replaced by T.
Protein change: p.Gln365Leu; replaces glutamine 365 with leucine.
Molecular consequence: missense variant.
Genome position (GRCh38, 1-based): chr14:63,967,812, A>T. VCF-style: chr14-63967812-A-T. GRCh37 (hg19) VCF-style: chr14-64434530-A-T.
Other names: c.1094A>T, p.Gln365Leu (NM_015180.6); c.1094A>T (NM_182914.2); short protein forms Q365L.
Identifiers: ClinVar variation 2047141 (VCV002047141.5), dbSNP rs1275306114, ClinGen allele CA389950816.
Genomic context (GRCh38, chr14:63,967,812, plus strand): 5'-CCTTTTTGGATGTCCTGTCAATAAAACGGGATCTGGATGAGCTGGACAAGGATCATTTAC[A>T]GTTGAGAGAAGCCTGGGATGGCCTCGATCACCAGGTGACTGTTTGTGTTGATTAGAAGAA-3'
Protein context (NP_878918.2, residues 355-375): DLDELDKDHL[Gln365Leu]LREAWDGLDH

ClinVar aggregate classification (germline): Uncertain significance. Review status: criteria provided, multiple submitters, no conflicts (2 of 4 stars). 2 submissions from 2 submitters: Uncertain significance (2). Last evaluated 2026-01-09.

Conditions:
Emery-Dreifuss muscular dystrophy 5, autosomal dominant (EDMD5). Also called: EMERY-DREIFUSS MUSCULAR DYSTROPHY 5. Identifiers: Orphanet 261, MedGen C2751805, MONDO:0013072, OMIM 612999.

Allele frequency attached by ClinVar (database versions not stated): TOPMed 0.00002; gnomAD 0.00003.
gnomAD v4.1: 10 of 1,614,030 alleles (0.00062%); highest among the groups gnomAD compares: Admixed American, 0.017%; no homozygotes.

Submissions (2):

Labcorp Genetics (formerly Invitae), Labcorp
Classification: Uncertain significance for Emery-Dreifuss muscular dystrophy 5, autosomal dominant. Last evaluated: 2026-01-09. Review status: criteria provided, single submitter. Criteria: Invitae Variant Classification Sherloc (09022015). Collection method: clinical testing. Allele origin: germline.
Comment: This sequence change replaces glutamine, which is neutral and polar, with leucine, which is neutral and non-polar, at codon 365 of the SYNE2 protein (p.Gln365Leu). This variant is present in population databases (no rsID available, gnomAD 0.01%). This variant has not been reported in the literature in individuals affected with SYNE2-related conditions. ClinVar contains an entry for this variant (Variation ID: 2047141). An algorithm developed to predict the effect of missense changes on protein structure and function (PolyPhen-2) suggests that this variant is likely to be tolerated. In summary, the available evidence is currently insufficient to determine the role of this variant in disease. Therefore, it has been classified as a Variant of Uncertain Significance.

Ambry Genetics
Classification: Uncertain significance. Last evaluated: 2025-04-08. Review status: criteria provided, single submitter. Criteria: Ambry Variant Classification Scheme 2023. Collection method: clinical testing. Allele origin: germline.